The following continues an entry in ClinVar:

NM_000548.5(TSC2):c.5383C>T (p.Arg1795Cys)

Gene: TSC2. ClinVar aggregate classification (germline): Benign/Likely benign. Benign (13); Likely benign (11).

Submissions 22 to 33 of 33:

Laboratory for Molecular Medicine, Mass General Brigham Personalized Medicine
Classification: Likely benign. Last evaluated: 2017-01-24. Review status: criteria provided, single submitter. Criteria: LMM Criteria. Collection method: clinical testing. Allele origin: germline.
Comment: Variant identified in a genome or exome case(s) and assessed due to predicted null impact of the variant or pathogenic assertions in the literature or databases. Disclaimer: This variant has not undergone full assessment. The following are preliminary notes: This variant is classified in HGMD as DM and seen in 7 papers, including in patients who inherited the mutation from unaffected parents. This variant is present in gnomAD with a Max MAF of 0.36% of Ashkenazi Jews (36/10110 chrs and homozygous in 1 Latino). High for tuberous sclerosis incidence of 1/25000-1/11300. The variant is classified with 1 star in ClinVar as VUS by 3 submitters (CSER_CC_NCGL, University of Chicago, and Ambry), Likely benign by 3 submitters (Emory, Invitae, Biesecker), and Benign by GeneDx.

Center for Pediatric Genomic Medicine, Children's Mercy Hospital and Clinics
Classification: Likely benign. Last evaluated: 2016-11-30. Review status: criteria provided, single submitter. Criteria: ACMG Guidelines, 2015. Collection method: clinical testing. Allele origin: germline.
ClinVar note: Converted during submission from Likely Benign to Likely benign.

Eurofins Ntd Llc (ga)
Classification: Likely benign. Last evaluated: 2014-07-15. Review status: criteria provided, single submitter. Criteria: EGL Classification Definitions 2015. Collection method: clinical testing. Allele origin: germline. Observed: 2 variant alleles, 2 heterozygotes.

CSER _CC_NCGL, University of Washington
Classification: Uncertain significance for Tuberous sclerosis and lymphangiomyomatosis. Last evaluated: 2014-06-01. Review status: no assertion criteria provided. Collection method: research. Allele origin: germline. Inheritance: Autosomal dominant inheritance. Study: ESP 6500 variant annotation. Not counted in ClinVar's aggregate classification.
Comment: Variants classified for the Actionable exomic incidental findings in 6503 participants: challenges of variant classification manuscript

Biesecker Lab/Clinical Genomics Section, National Institutes of Health
Classification: Likely benign. Last evaluated: 2012-07-13. Review status: no assertion criteria provided. Collection method: research. Allele origin: germline. Affected: no. Observed: 2 variant alleles. Study: ClinSeq. Not counted in ClinVar's aggregate classification.
ClinVar note: Converted during submission from probably not pathogenic to Likely benign.

Clinical Genetics DNA and cytogenetics Diagnostics Lab, Erasmus MC, Erasmus Medical Center
Classification: Benign. Review status: no assertion criteria provided. Collection method: clinical testing. Allele origin: germline. Affected: yes. Study: VKGL Data-share Consensus. Not counted in ClinVar's aggregate classification.

Clinical Genetics, Academic Medical Center
Classification: Likely benign. Review status: no assertion criteria provided. Collection method: clinical testing. Allele origin: germline. Affected: yes. Study: VKGL Data-share Consensus. Not counted in ClinVar's aggregate classification.

Diagnostic Laboratory, Department of Genetics, University Medical Center Groningen
Classification: Likely benign. Review status: no assertion criteria provided. Collection method: clinical testing. Allele origin: germline. Affected: yes. Study: VKGL Data-share Consensus. Not counted in ClinVar's aggregate classification.

Genome Diagnostics Laboratory, Amsterdam University Medical Center
Classification: Likely benign. Review status: no assertion criteria provided. Collection method: clinical testing. Allele origin: germline. Affected: yes. Study: VKGL Data-share Consensus. Not counted in ClinVar's aggregate classification.

Laboratory of Diagnostic Genome Analysis, Leiden University Medical Center (LUMC)
Classification: Likely benign. Review status: no assertion criteria provided. Collection method: clinical testing. Allele origin: germline. Affected: yes. Study: VKGL Data-share Consensus. Not counted in ClinVar's aggregate classification.

Tuberous sclerosis database (TSC2)
No classification provided. Condition: TSC. Review status: no classification provided. Criteria: Tuberous Sclerosis Database Assertion Criteria 2015. Collection method: curation. Allele origin: germline. Affected: yes. Not counted in ClinVar's aggregate classification.

Tuberous sclerosis database (TSC2)
No classification provided. Condition: TSC; LAM. Review status: no classification provided. Criteria: Tuberous Sclerosis Database Assertion Criteria 2015. Collection method: curation. Allele origin: germline. Affected: yes. Not counted in ClinVar's aggregate classification.

Literature cited by the submitters: PubMed 11208653 (cited by 3 submitters); PubMed 11829138 (cited by 3 submitters); PubMed 12111193 (cited by 3 submitters); PubMed 21309039 (cited by 3 submitters); PubMed 24055113 (cited by 3 submitters); PubMed 25637381 (cited by 3 submitters); PubMed 26332594 (cited by 3 submitters); PubMed 27153395 (cited by 3 submitters); PubMed 27600092 (cited by Ambry Genetics); PubMed 27884173 (cited by Athena Diagnostics and Quest Diagnostics Nichols Institute San Juan Capistrano); PubMed 31785789 (cited by Quest Diagnostics Nichols Institute San Juan Capistrano).